The following is an entry in ClinVar:

ClinVar aggregate classification (germline): Uncertain significance. Review status: criteria provided, multiple submitters, no conflicts (2 of 4 stars). 3 submissions from 3 submitters: Uncertain significance (3). Last evaluated 2025-02-02.

Conditions:
Infantile spasms. Also called: Infantile spasm. Identifiers: MedGen C3887898, HP:0012469.

Allele frequency attached by ClinVar (database versions not stated): gnomAD exomes 0.00003; ExAC 0.00006; TOPMed 0.00011; ESP Exome Variant Server 0.00015; gnomAD 0.00029.
gnomAD v4.1: 61 of 1,599,680 alleles (0.0038%); highest among the groups gnomAD compares: African/African-American, 0.067%; no homozygotes.

Submissions (3):

Labcorp Genetics (formerly Invitae), Labcorp
Classification: Uncertain significance for Infantile spasms. Last evaluated: 2025-02-02. Review status: criteria provided, single submitter. Criteria: Invitae Variant Classification Sherloc (09022015). Collection method: clinical testing. Allele origin: germline.
Comment: This sequence change replaces threonine, which is neutral and polar, with isoleucine, which is neutral and non-polar, at codon 726 of the PIK3AP1 protein (p.Thr726Ile). This variant is present in population databases (rs113976248, gnomAD 0.07%), and has an allele count higher than expected for a pathogenic variant. This variant has not been reported in the literature in individuals affected with PIK3AP1-related conditions. ClinVar contains an entry for this variant (Variation ID: 642249). An algorithm developed to predict the effect of missense changes on protein structure and function (PolyPhen-2) suggests that this variant¬†is likely to be tolerated. In summary, the available evidence is currently insufficient to determine the role of this variant in disease. Therefore, it has been classified as a Variant of Uncertain Significance.

Ambry Genetics
Classification: Uncertain significance. Last evaluated: 2024-10-01. Review status: criteria provided, single submitter. Criteria: Ambry Variant Classification Scheme 2023. Collection method: clinical testing. Allele origin: germline.

Center for Genomics, Ann and Robert H. Lurie Children's Hospital of Chicago
Classification: Uncertain significance. Last evaluated: 2022-02-03. Review status: criteria provided, single submitter. Criteria: ACMG Guidelines, 2015. Collection method: clinical testing. Allele origin: germline.
Comment: PIK3AP1 NM_152309.2 exon 15 p.Thr726Ile (c.2177C>T): This variant has not been reported in the literature but is present in 0.04% (19/41390) of African alleles in the Genome Aggregation Database. This variant is present in ClinVar (Variation ID:642249). Evolutionary conservation and computational predictive tools suggest that this variant may not impact the protein. In summary, data on this variant is insufficient for disease classification. Therefore, the clinical significance of this variant is uncertain.

NM_152309.3(PIK3AP1):c.2177C>T (p.Thr726Ile)

Gene: PIK3AP1 (phosphoinositide-3-kinase adaptor protein 1; minus strand). Cytogenetic location: 10q24.1.
Variant type: single nucleotide variant.
Coding change: c.2177C>T on transcript NM_152309.3 (MANE Select); coding-DNA position 2177, C replaced by T.
Protein change: p.Thr726Ile; replaces threonine 726 with isoleucine.
Molecular consequence: missense variant.
Genome position (GRCh38, 1-based): chr10:96,604,043, G>A on the plus strand (C>T on the coding strand, the complement: PIK3AP1 is on the minus strand). VCF-style: chr10-96604043-G-A. GRCh37 (hg19) VCF-style: chr10-98363800-G-A.
Other names: short protein forms T726I.
Identifiers: ClinVar variation 642249 (VCV000642249.12), dbSNP rs113976248, ClinGen allele CA5626034.